The following is an entry in ClinVar:

ClinVar aggregate classification (germline): Uncertain significance (1 of 4 stars; one submission).

Conditions:
Hereditary breast ovarian cancer syndrome. Also called: Hereditary breast and ovarian cancer; Hereditary breast and ovarian cancer syndrome; Hereditary breast and/or ovarian cancer syndrome; Hereditary breast and ovarian cancer syndrome (HBOC); Breast and ovarian cancer; BRCA1- and BRCA2-Associated Hereditary Breast and Ovarian Cancer. Identifiers: Orphanet 145, MedGen C0677776, MeSH D061325, MONDO:0003582. Disease mechanism: loss of function.

Submission:

Labcorp Genetics (formerly Invitae), Labcorp
Classification: Uncertain significance for Hereditary breast ovarian cancer syndrome. Last evaluated: 2021-05-09. Review status: criteria provided, single submitter. Criteria: Invitae Variant Classification Sherloc (09022015). Collection method: clinical testing. Allele origin: germline.
Comment: In summary, the available evidence is currently insufficient to determine the role of this variant in disease. Therefore, it has been classified as a Variant of Uncertain Significance. Advanced modeling of protein sequence and biophysical properties (such as structural, functional, and spatial information, amino acid conservation, physicochemical variation, residue mobility, and thermodynamic stability) performed at Invitae indicates that this missense variant is expected to disrupt BRCA2 protein function. This variant has not been reported in the literature in individuals with BRCA2-related conditions. This variant is not present in population databases (ExAC no frequency). This sequence change replaces serine with cysteine at codon 3123 of the BRCA2 protein (p.Ser3123Cys). The serine residue is highly conserved and there is a moderate physicochemical difference between serine and cysteine.

NM_000059.4(BRCA2):c.9367A>T (p.Ser3123Cys)

Gene: BRCA2 (BRCA2 DNA repair associated; plus strand). Cytogenetic location: 13q13.1.
Variant type: single nucleotide variant.
Coding change: c.9367A>T on transcript NM_000059.4 (MANE Select); coding-DNA position 9367, A replaced by T.
Protein change: p.Ser3123Cys; replaces serine 3123 with cysteine.
Molecular consequence: missense variant.
Genome position (GRCh38, 1-based): chr13:32,394,799, A>T. VCF-style: chr13-32394799-A-T. GRCh37 (hg19) VCF-style: chr13-32968936-A-T.
Other names: short protein forms S3123C.
Identifiers: ClinVar variation 1494939 (VCV001494939.8), dbSNP rs80359208, ClinGen allele CA387761174.
Genomic context (GRCh38, chr13:32,394,799, plus strand): 5'-ATAAAGTTTTGGATAGACCTTAATGAGGACATTATTAAGCCTCATATGTTAATTGCTGCA[A>T]GCAACCTCCAGTGGCGACCAGAATCCAAATCAGGCCTTCTTACTTTATTTGCTGGAGATT-3'
Protein context (NP_000050.3, residues 3113-3133): IIKPHMLIAA[Ser3123Cys]NLQWRPESKS